The following is an entry in ClinVar:

NM_005055.5(RAPSN):c.737_738insCAGA (p.Leu247fs)

Gene: RAPSN (receptor associated protein of the synapse; minus strand). Cytogenetic location: 11p11.2.
Variant type: Insertion.
Coding change: c.737_738insCAGA on transcript NM_005055.5 (MANE Select); coding-DNA positions 737 to 738, CAGA inserted.
Protein change: p.Leu247fs; shifts the reading frame from leucine 247.
Molecular consequence: frameshift variant.
Genome position: GRCh38 VCF-style: chr11-47441874-C-CTCTG. GRCh37 (hg19) VCF-style: chr11-47463426-C-CTCTG.
Other names: c.737_738insCAGA, p.Leu247fs (NM_032645.5); short protein forms L247fs.
Identifiers: ClinVar variation 4060728 (VCV004060728.2).

ClinVar aggregate classification (germline): Likely pathogenic (1 of 4 stars; one submission).

Conditions:
Congenital myasthenic syndrome (CMS). Also called: Congenital Myasthenic Syndromes. Identifiers: Orphanet 590, MedGen C0751882, MeSH D020294, MONDO:0018940.

Submission:

Natera, Inc.
Classification: Likely pathogenic for Congenital myasthenic syndrome. Last evaluated: 2025-01-17. Review status: criteria provided, single submitter. Criteria: Natera Variant Classification Schema (03/2026). Collection method: clinical testing. Allele origin: germline.
Comment: The c.737_738insCAGA variant in RAPSN is a frameshift variant predicted to shift the reading frame beginning at codon 247 and leads to a stop codon 9 codons downstream. This variant is expected to result in nonsense mediated decay, truncation, or a dysfunctional protein product. This variant is rare in the general population with a frequency below the threshold expected for the associated phenotype(s). Given the available evidence, this variant is classified as Likely Pathogenic.